The following is an entry in ClinVar:

NM_005257.6(GATA6):c.124T>C (p.Ser42Pro)

Gene: GATA6 (GATA binding protein 6; plus strand). Cytogenetic location: 18q11.2.
Variant type: single nucleotide variant.
Coding change: c.124T>C on transcript NM_005257.6 (MANE Select); coding-DNA position 124, T replaced by C.
Protein change: p.Ser42Pro; replaces serine 42 with proline.
Molecular consequence: missense variant.
Genome position (GRCh38, 1-based): chr18:22,171,268, T>C. VCF-style: chr18-22171268-T-C. GRCh37 (hg19) VCF-style: chr18-19751229-T-C.
Other names: short protein forms S42P.
Identifiers: ClinVar variation 2672719 (VCV002672719.23), dbSNP rs1261069260, ClinGen allele CA401798746.

ClinVar aggregate classification (germline): Uncertain significance (1 of 4 stars; one submission).

Submission:

CeGaT Center for Human Genetics Tuebingen
Classification: Uncertain significance. Last evaluated: 2024-08-01. Review status: criteria provided, single submitter. Criteria: CeGaT Center For Human Genetics Tuebingen Variant Classification Criteria Version 2. Collection method: clinical testing. Allele origin: germline. Affected: yes. Observed: 5 variant alleles.
Comment: GATA6: PM2, PP3